The following is an entry in ClinVar:

NM_030957.4(ADAMTS10):c.2221C>T (p.Leu741Phe)

Gene: ADAMTS10 (ADAM metallopeptidase with thrombospondin type 1 motif 10; minus strand). Cytogenetic location: 19p13.2.
Variant type: single nucleotide variant.
Coding change: c.2221C>T on transcript NM_030957.4 (MANE Select); coding-DNA position 2221, C replaced by T.
Protein change: p.Leu741Phe; replaces leucine 741 with phenylalanine.
Molecular consequence: missense variant.
Genome position (GRCh38, 1-based): chr19:8,586,834, G>A on the plus strand (C>T on the coding strand, the complement: ADAMTS10 is on the minus strand). VCF-style: chr19-8586834-G-A. GRCh37 (hg19) VCF-style: chr19-8651718-G-A.
Other names: c.682C>T, p.Leu228Phe (NM_001282352.2); short protein forms L228F, L741F.
Identifiers: ClinVar variation 1980902 (VCV001980902.4), dbSNP rs2042439462, ClinGen allele CA403750262.
Genomic context (GRCh38, chr19:8,586,834, plus strand): 5'-CACTGACCCCTAATCCTCATCCCCTCCCCACCATCTGCTCACCCAAGTGACTGAGAGAGA[G>A]GTTCAGATCCTGGATGAAGATGTGGACGGAGCCTTTGGGAATCCAGACGACATCCTCGTA-3'
Protein context (NP_112219.3, residues 731-751): SVHIFIQDLN[Leu741Phe]SLSHLALKGD

ClinVar aggregate classification (germline): Uncertain significance (1 of 4 stars; one submission).

Allele frequency attached by ClinVar (database versions not stated): gnomAD exomes below 0.00001; TOPMed below 0.00001.
gnomAD v4.1: 1 of 1,614,104 alleles (0.000062%); highest among the groups gnomAD compares: Non-Finnish European, 0.000085%; no homozygotes.

Submission:

Labcorp Genetics (formerly Invitae), Labcorp
Classification: Uncertain significance. Last evaluated: 2022-08-05. Review status: criteria provided, single submitter. Criteria: Invitae Variant Classification Sherloc (09022015). Collection method: clinical testing. Allele origin: germline.
Comment: In summary, the available evidence is currently insufficient to determine the role of this variant in disease. Therefore, it has been classified as a Variant of Uncertain Significance. Algorithms developed to predict the effect of missense changes on protein structure and function are either unavailable or do not agree on the potential impact of this missense change (SIFT: "Deleterious"; PolyPhen-2: "Benign"; Align-GVGD: "Class C0"). This variant has not been reported in the literature in individuals affected with ADAMTS10-related conditions. This variant is not present in population databases (gnomAD no frequency). This sequence change replaces leucine, which is neutral and non-polar, with phenylalanine, which is neutral and non-polar, at codon 741 of the ADAMTS10 protein (p.Leu741Phe).